The following is an entry in ClinVar:

NM_024407.5(NDUFS7):c.243C>G (p.Pro81=)

Gene: NDUFS7 (NADH:ubiquinone oxidoreductase core subunit S7; plus strand). Cytogenetic location: 19p13.3.
Variant type: single nucleotide variant.
Coding change: c.243C>G on transcript NM_024407.5 (MANE Select); coding-DNA position 243, C replaced by G.
Protein change: p.Pro81=; no amino-acid change (proline 81 retained).
Molecular consequence: synonymous variant.
Genome position (GRCh38, 1-based): chr19:1,390,885, C>G. VCF-style: chr19-1390885-C-G. GRCh37 (hg19) VCF-style: chr19-1390884-C-G.
Other names: c.243C>G, p.Pro81= (NM_001363602.2).
Identifiers: ClinVar variation 5039192 (VCV005039192.1).
Genomic context (GRCh38, chr19:1,390,885, plus strand): 5'-CGCGGGGCTCCGGGGGTGGCGTCTGACCCGAGCCCGGCCTCCGCAGAGTTCTCTGTGGCC[C>G]ATGACCTTCGGCCTGGCCTGCTGCGCCGTGGAGATGATGCACATGGCAGCACCCCGCTAC-3'
Protein context (NP_077718.3, residues 71-91): VNWARRSSLW[Pro81=]MTFGLACCAV

ClinVar aggregate classification (germline): Likely benign (1 of 4 stars; one submission).

Submission:

CeGaT Center for Human Genetics Tuebingen
Classification: Likely benign. Last evaluated: 2026-08-01. Review status: criteria provided, single submitter. Criteria: CeGaT Center For Human Genetics Tuebingen Variant Classification Criteria Version 2. Collection method: clinical testing. Allele origin: germline. Affected: yes. Observed: 1 variant allele.
Comment: NDUFS7: BP4, BP7